The following is an entry in ClinVar:

ClinVar aggregate classification (germline): Conflicting classifications of pathogenicity. Review status: criteria provided, conflicting classifications (1 of 4 stars). 2 submissions from 2 submitters: Uncertain significance (1); Likely benign (1). Last evaluated 2025-11-24.

Conditions:
Inborn genetic diseases. Identifiers: MedGen C0950123, MeSH D030342.

gnomAD v4.1: 1 of 1,613,830 alleles (0.000062%); highest among the groups gnomAD compares: Non-Finnish European, 0.000085%; no homozygotes.

Submissions (2):

Ambry Genetics
Classification: Likely benign for Inborn genetic diseases. Last evaluated: 2025-11-24. Review status: criteria provided, single submitter. Criteria: Ambry Variant Classification Scheme 2023. Collection method: clinical testing. Allele origin: germline.

Women's Health and Genetics/Laboratory Corporation of America, LabCorp
Classification: Uncertain significance. Last evaluated: 2023-10-13. Review status: criteria provided, single submitter. Criteria: LabCorp Variant Classification Summary - May 2015. Collection method: clinical testing. Allele origin: germline.
Comment: Variant summary: SAMD9 c.4276T>C (p.Tyr1426His) results in a conservative amino acid change in the encoded protein sequence. Five of five in-silico tools predict a benign effect of the variant on protein function. The variant allele was found at a frequency of 4e-06 in 251062 control chromosomes. The available data on variant occurrences in the general population are insufficient to allow any conclusion about variant significance. To our knowledge, no occurrence of c.4276T>C in individuals affected with MIRAGE Syndrome and no experimental evidence demonstrating its impact on protein function have been reported. No submitters have cited clinical-significance assessments for this variant to ClinVar after 2014. Based on the evidence outlined above, the variant was classified as uncertain significance.

NM_017654.4(SAMD9):c.4276T>C (p.Tyr1426His)

Gene: SAMD9 (sterile alpha motif domain containing 9; minus strand). Cytogenetic location: 7q21.2.
Variant type: single nucleotide variant.
Coding change: c.4276T>C on transcript NM_017654.4 (MANE Select); coding-DNA position 4276, T replaced by C.
Protein change: p.Tyr1426His; replaces tyrosine 1426 with histidine.
Molecular consequence: missense variant.
Genome position (GRCh38, 1-based): chr7:93,101,822, A>G on the plus strand (T>C on the coding strand, the complement: SAMD9 is on the minus strand). VCF-style: chr7-93101822-A-G. GRCh37 (hg19) VCF-style: chr7-92731135-A-G.
Other names: c.4276T>C, p.Tyr1426His (NM_001193307.2); c.4276T>C (NM_017654.3); short protein forms Y1426H.
Identifiers: ClinVar variation 2637730 (VCV002637730.2), dbSNP rs767036832, ClinGen allele CA4342575.
Genomic context (GRCh38, chr7:93,101,822, plus strand): 5'-GTTGTTGATTTTCTGGCCAGAATAAGAGGGAAGCTAGAAAATACGGTTCTGAAAACTGAT[A>G]AGTCAGTCCTATTGGTTGCAAGACTTCTCGAAGCTGATCTTTTAGTTTTTCAACTGGCTT-3'
Protein context (NP_060124.2, residues 1416-1436): REVLQPIGLT[Tyr1426His]QFSEPYFLAS